The following is an entry in ClinVar:

ClinVar aggregate classification (germline): Uncertain significance (1 of 4 stars; one submission).

gnomAD v4.1: 1 of 1,613,986 alleles (0.000062%); highest among the groups gnomAD compares: Non-Finnish European, 0.000085%; no homozygotes.

Submission:

GeneDx
Classification: Uncertain significance. Last evaluated: 2023-05-31. Review status: criteria provided, single submitter. Criteria: GeneDx Variant Classification Process June 2021. Collection method: clinical testing. Allele origin: germline. Affected: yes.
Comment: Not observed at significant frequency in large population cohorts (gnomAD); In silico analysis supports that this missense variant has a deleterious effect on protein structure/function; Has not been previously published as pathogenic or benign to our knowledge

NM_138927.4(SON):c.3503C>T (p.Thr1168Ile)

Gene: SON (SON DNA and RNA binding protein; plus strand). Cytogenetic location: 21q22.11.
Variant type: single nucleotide variant.
Coding change: c.3503C>T on transcript NM_138927.4 (MANE Select); coding-DNA position 3503, C replaced by T.
Protein change: p.Thr1168Ile; replaces threonine 1168 with isoleucine.
Molecular consequence: missense variant. On other transcripts: non-coding transcript variant (1), intron variant (1).
Genome position (GRCh38, 1-based): chr21:33,552,734, C>T. VCF-style: chr21-33552734-C-T. GRCh37 (hg19) VCF-style: chr21-34925040-C-T.
Other names: c.3503C>T, p.Thr1168Ile (NM_001291411.2, NM_032195.3); c.245-4422C>T (NM_001291412.3); short protein forms T1168I.
Identifiers: ClinVar variation 3362077 (VCV003362077.1).